The following is an entry in ClinVar:

ClinVar aggregate classification (germline): Likely benign. Review status: criteria provided, multiple submitters, no conflicts (2 of 4 stars). 2 submissions from 2 submitters: Likely benign (2). Last evaluated 2024-07-01.

Conditions:
Developmental and epileptic encephalopathy, 23 (DEE23). Also called: Epileptic encephalopathy, early infantile, 23. Identifiers: Orphanet 411986, MedGen C4014492, MONDO:0014371, OMIM 615859.

Allele frequency attached by ClinVar (database versions not stated): gnomAD exomes below 0.00001; gnomAD 0.00001.
gnomAD v4.1: 2 of 1,613,650 alleles (0.00012%); highest among the groups gnomAD compares: African/African-American, 0.0013%; no homozygotes.

Submissions (2):

CeGaT Center for Human Genetics Tuebingen
Classification: Likely benign. Last evaluated: 2024-07-01. Review status: criteria provided, single submitter. Criteria: CeGaT Center For Human Genetics Tuebingen Variant Classification Criteria Version 2. Collection method: clinical testing. Allele origin: germline. Affected: yes. Observed: 1 variant allele.
Comment: DOCK7: BP4, BP7

Labcorp Genetics (formerly Invitae), Labcorp
Classification: Likely benign for Developmental and epileptic encephalopathy, 23. Last evaluated: 2022-09-01. Review status: criteria provided, single submitter. Criteria: Invitae Variant Classification Sherloc (09022015). Collection method: clinical testing. Allele origin: germline.

NM_001367561.1(DOCK7):c.5967C>A (p.Ile1989=)

Gene: DOCK7 (dedicator of cytokinesis 7; minus strand). Cytogenetic location: 1p31.3.
Variant type: single nucleotide variant.
Coding change: c.5967C>A on transcript NM_001367561.1 (MANE Select); coding-DNA position 5967, C replaced by A.
Protein change: p.Ile1989=; no amino-acid change (isoleucine 1989 retained).
Molecular consequence: synonymous variant.
Genome position (GRCh38, 1-based): chr1:62,475,346, G>T on the plus strand (C>A on the coding strand, the complement: DOCK7 is on the minus strand). VCF-style: chr1-62475346-G-T. GRCh37 (hg19) VCF-style: chr1-62941017-G-T.
Other names: c.5934C>A, p.Ile1978= (NM_001271999.2); c.5847C>A, p.Ile1949= (NM_001272000.2); c.5841C>A, p.Ile1947= (NM_001272001.2); c.5940C>A, p.Ile1980= (NM_001330614.2); c.5874C>A, p.Ile1958= (NM_033407.4).
Identifiers: ClinVar variation 2021241 (VCV002021241.20), dbSNP rs1645938250, ClinGen allele CA418004146.